The following is an entry in ClinVar:

ClinVar aggregate classification (germline): Uncertain significance (0 of 4 stars; one submission).

Conditions:
SIM1-related disorder. Also called: SIM1-related disorders; SIM1-related condition.

Allele frequency attached by ClinVar (database versions not stated): ExAC 0.00001; TOPMed 0.00001.
gnomAD v4.1: 4 of 1,614,214 alleles (0.00025%); highest among the groups gnomAD compares: Non-Finnish European, 0.00034%; no homozygotes.

Submission:

PreventionGenetics, part of Exact Sciences
Classification: Uncertain significance for SIM1-related condition. Last evaluated: 2024-01-04. Review status: no assertion criteria provided. Collection method: clinical testing. Allele origin: germline.
Comment: The SIM1 c.2126A>C variant is predicted to result in the amino acid substitution p.His709Pro. To our knowledge, this variant has not been reported in the literature. This variant is reported in 0.00088% of alleles in individuals of European (Non-Finnish) descent in gnomAD. At this time, the clinical significance of this variant is uncertain due to the absence of conclusive functional and genetic evidence.

NM_005068.3(SIM1):c.2126A>C (p.His709Pro)

Gene: SIM1 (SIM bHLH transcription factor 1; minus strand). Cytogenetic location: 6q16.3.
Variant type: single nucleotide variant.
Coding change: c.2126A>C on transcript NM_005068.3 (MANE Select); coding-DNA position 2126, A replaced by C.
Protein change: p.His709Pro; replaces histidine 709 with proline.
Molecular consequence: missense variant.
Genome position (GRCh38, 1-based): chr6:100,390,536, T>G on the plus strand (A>C on the coding strand, the complement: SIM1 is on the minus strand). VCF-style: chr6-100390536-T-G. GRCh37 (hg19) VCF-style: chr6-100838412-T-G.
Other names: c.2126A>C, p.His709Pro (NM_001374769.1); short protein forms H709P.
Identifiers: ClinVar variation 3051040 (VCV003051040.2), dbSNP rs754954454, ClinGen allele CA3936870.